The following is an entry in ClinVar:

NM_006904.7(PRKDC):c.11615G>T (p.Arg3872Ile)

Gene: PRKDC (protein kinase, DNA-activated, catalytic subunit; minus strand). Cytogenetic location: 8q11.21.
Variant type: single nucleotide variant.
Coding change: c.11615G>T on transcript NM_006904.7 (MANE Select); coding-DNA position 11615, G replaced by T.
Protein change: p.Arg3872Ile; replaces arginine 3872 with isoleucine.
Molecular consequence: missense variant.
Genome position (GRCh38, 1-based): chr8:47,778,764, C>A on the plus strand (G>T on the coding strand, the complement: PRKDC is on the minus strand). VCF-style: chr8-47778764-C-A. GRCh37 (hg19) VCF-style: chr8-48691325-C-A.
Other names: c.11522G>T, p.Arg3841Ile (NM_001081640.2); short protein forms R3841I, R3872I.
Identifiers: ClinVar variation 1014466 (VCV001014466.1), dbSNP rs183727221, ClinGen allele CA4739040.

ClinVar aggregate classification (germline): Uncertain significance (1 of 4 stars; one submission).

Conditions:
Severe combined immunodeficiency due to DNA-PKcs deficiency. Also called: IMMUNODEFICIENCY 26 WITH NEUROLOGIC ABNORMALITIES; Immunodeficiency 26 with or without neurologic abnormalities. Identifiers: Orphanet 317425, MedGen C4014833, MONDO:0014423, OMIM 615966.

Allele frequency attached by ClinVar (database versions not stated): ExAC 0.00001; gnomAD 0.00001; TOPMed 0.00001; gnomAD exomes 0.00002 and 0.00004; 1000 Genomes Project 0.00020; 1000 Genomes Project 30x 0.00031.
gnomAD v4.1: 27 of 1,613,730 alleles (0.0017%); highest among the groups gnomAD compares: East Asian, 0.011%; no homozygotes.

Submission:

Labcorp Genetics (formerly Invitae), Labcorp
Classification: Uncertain significance for Severe combined immunodeficiency due to DNA-PKcs deficiency. Last evaluated: 2020-07-15. Review status: criteria provided, single submitter. Criteria: Invitae Variant Classification Sherloc (09022015). Collection method: clinical testing. Allele origin: germline.
Comment: This sequence change replaces arginine with isoleucine at codon 3872 of the PRKDC protein (p.Arg3872Ile). The arginine residue is moderately conserved and there is a moderate physicochemical difference between arginine and isoleucine. This variant is present in population databases (rs183727221, ExAC 0.002%). This variant has not been reported in the literature in individuals with PRKDC-related conditions. Experimental studies and prediction algorithms are not available or were not evaluated, and the functional significance of this variant is currently unknown. In summary, the available evidence is currently insufficient to determine the role of this variant in disease. Therefore, it has been classified as a Variant of Uncertain Significance.